The following is an entry in ClinVar:

NM_000152.5(GAA):c.1597T>G (p.Cys533Gly)

Gene: GAA (alpha glucosidase; plus strand). Cytogenetic location: 17q25.3.
Variant type: single nucleotide variant.
Coding change: c.1597T>G on transcript NM_000152.5 (MANE Select); coding-DNA position 1597, T replaced by G.
Protein change: p.Cys533Gly; replaces cysteine 533 with glycine.
Molecular consequence: missense variant.
Genome position (GRCh38, 1-based): chr17:80,110,986, T>G. VCF-style: chr17-80110986-T-G. GRCh37 (hg19) VCF-style: chr17-78084785-T-G.
Other names: c.1597T>G, p.Cys533Gly (NM_001079803.3, NM_001079804.3, NM_001406741.1 and 1 more transcripts); short protein forms C533G.
Identifiers: ClinVar variation 4876459 (VCV004876459.1).
Genomic context (GRCh38, chr17:80,110,986, plus strand): 5'-GCGCTTCTCTTGCAGGACATGAACGAGCCTTCCAACTTCATCAGGGGCTCTGAGGACGGC[T>G]GCCCCAACAATGAGCTGGAGAACCCACCCTACGTGCCTGGTCAGCTCGCCCCCCACCTAC-3'
Protein context (NP_000143.2, residues 523-543): SNFIRGSEDG[Cys533Gly]PNNELENPPY

ClinVar aggregate classification (germline): Uncertain significance (1 of 4 stars; one submission).

Conditions:
Glycogen storage disease, type II (IOPD). Also called: Pompe Disease; CARDIOMEGALIA GLYCOGENICA DIFFUSA; GLYCOGENOSIS, GENERALIZED, CARDIAC FORM; GSD II; POMPE DISEASE, INFANTILE-ONSET; GLYCOGEN STORAGE DISEASE II, INFANTILE-ONSET. Identifiers: Orphanet 365, MedGen C0017921, MONDO:0009290, OMIM 232300.

Submission:

Genomenon, Inc
Classification: Uncertain significance for Glycogen storage disease, type II. Last evaluated: 2026-07-01. Review status: criteria provided, single submitter. Criteria: Genomenon Sequence Variant Interpretation Standards - Updated. Collection method: curation. Allele origin: germline. Affected: yes.
Comment: GAA p.Cys533Gly (c.1597T>G) is a missense variant that changes the amino acid at codon 533 from Cysteine to Glycine. This variant has been observed in at least one proband with a GAA-related disorder in the compound heterozygous and/or homozygous state (PMID:28394184). It is absent or not present at a significant frequency in gnomAD. In silico models predict that this variant is possibly or probably damaging. In conclusion, we classify GAA p.Cys533Gly (c.1597T>G) as a variant of uncertain significance.

Literature cited by the submitters: PubMed 28394184.